The following is an entry in ClinVar:

NM_000038.6(APC):c.4063T>C (p.Ser1355Pro)

Gene: APC (APC regulator of Wnt signaling pathway; plus strand). Cytogenetic location: 5q22.2.
Variant type: single nucleotide variant.
Coding change: c.4063T>C on transcript NM_000038.6 (MANE Select); coding-DNA position 4063, T replaced by C.
Protein change: p.Ser1355Pro; replaces serine 1355 with proline.
Molecular consequence: missense variant.
Genome position (GRCh38, 1-based): chr5:112,839,657, T>C. VCF-style: chr5-112839657-T-C. GRCh37 (hg19) VCF-style: chr5-112175354-T-C.
Other names: p.S1355P:TCT>CCT; c.4063T>C, p.Ser1355Pro (NM_001127510.3, NM_001354895.2); c.4009T>C, p.Ser1337Pro (NM_001127511.3); c.4117T>C, p.Ser1373Pro (NM_001354896.2); c.4093T>C, p.Ser1365Pro (NM_001354897.2); c.3988T>C, p.Ser1330Pro (NM_001354898.2); c.3979T>C, p.Ser1327Pro (NM_001354899.2); c.3940T>C, p.Ser1314Pro (NM_001354900.2); and 6 more; short protein forms S1337P, S1355P, S1296P, S1195P, S1229P, S1072P, S1254P, S1264P.
Identifiers: ClinVar variation 181804 (VCV000181804.17), dbSNP rs730881248, ClinGen allele CA008891.

ClinVar aggregate classification (germline): Uncertain significance. Review status: criteria provided, multiple submitters, no conflicts (2 of 4 stars). 5 submissions from 5 submitters: Uncertain significance (5). Last evaluated 2025-12-02.

Conditions:
Hereditary cancer-predisposing syndrome. Also called: Tumor predisposition; Neoplastic Syndromes, Hereditary; Hereditary neoplastic syndrome; Hereditary Cancer Syndrome. Identifiers: Orphanet 140162, MedGen C0027672, MeSH D009386, MONDO:0015356.
Familial adenomatous polyposis 1 (FAP1). Also called: FAMILIAL ADENOMATOUS POLYPOSIS 1, ATTENUATED; POLYPOSIS, ADENOMATOUS INTESTINAL. Identifiers: MedGen C2713442, MONDO:0021056, OMIM 175100. Disease mechanism: loss of function.

Allele frequency attached by ClinVar (database versions not stated): gnomAD exomes below 0.00001.
gnomAD v4.1: 1 of 1,614,162 alleles (0.000062%); highest among the groups gnomAD compares: Non-Finnish European, 0.000085%; no homozygotes.

Submissions (5):

Labcorp Genetics (formerly Invitae), Labcorp
Classification: Uncertain significance for Familial adenomatous polyposis 1. Last evaluated: 2025-12-02. Review status: criteria provided, single submitter. Criteria: Invitae Variant Classification Sherloc (09022015). Collection method: clinical testing. Allele origin: germline.
Comment: This sequence change replaces serine, which is neutral and polar, with proline, which is neutral and non-polar, at codon 1355 of the APC protein (p.Ser1355Pro). This variant is not present in population databases (gnomAD no frequency). This variant has not been reported in the literature in individuals affected with APC-related conditions. ClinVar contains an entry for this variant (Variation ID: 181804). Invitae Evidence Modeling of protein sequence and biophysical properties (such as structural, functional, and spatial information, amino acid conservation, physicochemical variation, residue mobility, and thermodynamic stability) indicates that this missense variant is not expected to disrupt APC protein function with a negative predictive value of 95%. In summary, the available evidence is currently insufficient to determine the role of this variant in disease. Therefore, it has been classified as a Variant of Uncertain Significance.

GeneDx
Classification: Uncertain significance. Last evaluated: 2024-04-08. Review status: criteria provided, single submitter. Criteria: GeneDx Variant Classification Process June 2021. Collection method: clinical testing. Allele origin: germline. Affected: yes.
Comment: Not observed at significant frequency in large population cohorts (gnomAD); In silico analysis indicates that this missense variant does not alter protein structure/function; Observed in an individual with acute myeloid leukemia (PMID: 21902576); This variant is associated with the following publications: (PMID: 28222664, 18199528, 21902576)

Blueprint Genetics
Classification: Uncertain significance. Last evaluated: 2023-09-28. Review status: criteria provided, single submitter. Criteria: ACMG Guidelines, 2015. Collection method: clinical testing. Allele origin: germline.

Ambry Genetics
Classification: Uncertain significance for Hereditary cancer-predisposing syndrome. Last evaluated: 2023-02-01. Review status: criteria provided, single submitter. Criteria: Ambry Variant Classification Scheme 2023. Collection method: clinical testing. Allele origin: germline.
Comment: The p.S1355P variant (also known as c.4063T>C), located in coding exon 15 of the APC gene, results from a T to C substitution at nucleotide position 4063. The serine at codon 1355 is replaced by proline, an amino acid with similar properties. This alteration was detected in a patient diagnosed with acute myeloblastic leukemia (Erbilgin Y et al. Leuk Lymphoma, 2012 Mar;53:508-10). This amino acid position is well conserved in available vertebrate species; however, proline is the reference amino acid in other vertebrate species. In addition, in silico predictors for this gene do not accurately predict pathogenicity. Since supporting evidence is limited at this time, the clinical significance of this alteration remains unclear.

Color Diagnostics, LLC DBA Color Health
Classification: Uncertain significance for Hereditary cancer-predisposing syndrome. Last evaluated: 2019-06-21. Review status: criteria provided, single submitter. Criteria: ACMG Guidelines, 2015. Collection method: clinical testing. Allele origin: germline.

Literature cited by the submitters: PubMed 21902576 (cited by Ambry Genetics).